The following is an entry in ClinVar:

NM_002693.3(POLG):c.2085T>G (p.Asp695Glu)

Gene: POLG (DNA polymerase gamma, catalytic subunit; minus strand). Cytogenetic location: 15q26.1.
Variant type: single nucleotide variant.
Coding change: c.2085T>G on transcript NM_002693.3 (MANE Select); coding-DNA position 2085, T replaced by G.
Protein change: p.Asp695Glu; replaces aspartic acid 695 with glutamic acid.
Molecular consequence: missense variant.
Genome position (GRCh38, 1-based): chr15:89,323,887, A>C on the plus strand (T>G on the coding strand, the complement: POLG is on the minus strand). VCF-style: chr15-89323887-A-C. GRCh37 (hg19) VCF-style: chr15-89867118-A-C.
Other names: p.D695E:GAT>GAG; c.2085T>G, p.Asp695Glu (NM_001126131.2); short protein forms D695E.
Identifiers: ClinVar variation 206509 (VCV000206509.26), dbSNP rs776848222, ClinGen allele CA316664.
Genomic context (GRCh38, chr15:89,323,887, plus strand): 5'-TTGACCTGGCACTGCAGCTCGCAAGTTCTCCATCTTGGCCTCAGCCTCCACTTCTAAGTA[A>C]TCCAGTTCTTCTACCTGGAGCAGTCCAAGGACCAAAGTAGTGAAGCAGGGGACTGGGTAG-3'
Protein context (NP_002684.1, residues 685-705): SAIWQTVEEL[Asp695Glu]YLEVEAEAKM

ClinVar aggregate classification (germline): Uncertain significance. Review status: criteria provided, multiple submitters, no conflicts (2 of 4 stars). 9 submissions from 9 submitters: Uncertain significance (9). Last evaluated 2025-11-25.

Conditions:
POLG-related disorder. Also called: POLG-related condition; POLG-Related Disorders; POLG-Related Spectrum Disorders. Identifiers: MedGen C4763519.
Progressive sclerosing poliodystrophy (MTDPS4A). Also called: Mitochondrial DNA depletion syndrome 4A (Alpers type); Alpers Syndrome; NEURONAL DEGENERATION OF CHILDHOOD WITH LIVER DISEASE, PROGRESSIVE; ALPERS PROGRESSIVE INFANTILE POLIODYSTROPHY; ALPERS DIFFUSE DEGENERATION OF CEREBRAL GRAY MATTER WITH HEPATIC CIRRHOSIS; Alpers-Huttenlocher Syndrome. Identifiers: Orphanet 726, MedGen C0205710, MONDO:0008758, OMIM 203700.
Progressive external ophthalmoplegia with mitochondrial DNA deletions, autosomal dominant 1 (PEOA1). Also called: PROGRESSIVE EXTERNAL OPHTHALMOPLEGIA, AUTOSOMAL DOMINANT 1; Autosomal Dominant Progressive External Ophthalmoplegia (adPEO). Identifiers: MedGen C1834846, MONDO:0024528, OMIM 157640.
Progressive external ophthalmoplegia with mitochondrial DNA deletions, autosomal recessive 1 (PEOB1). Also called: Progressive external ophthalmoplegia, autosomal recessive 1; Autosomal Recessive Progressive External Ophthalmoplegia (arPEO). Identifiers: Orphanet 254886, MedGen C4225153, MONDO:0009783, OMIM 258450.
Mitochondrial DNA depletion syndrome 4b. Also called: Mitochondrial Neurogastrointestinal Encephalopathy Disease, POLG-Related; MNGIE, POLG-RELATED. Identifiers: Orphanet 298, MedGen C3150914, MONDO:0013350, OMIM 613662.
Mitochondrial DNA depletion syndrome 1. Also called: Mitochondrial DNA depletion syndrome 1 (MNGIE type); POLIP SYNDROME; POLYNEUROPATHY, OPHTHALMOPLEGIA, LEUKOENCEPHALOPATHY, AND INTESTINAL PSEUDOOBSTRUCTION; Mitochondrial neurogastrointestinal encephalomyopathy syndrome; Mitochondrial Neurogastrointestinal Encephalopathy Disease; MITOCHONDRIAL NEUROGASTROINTESTINAL ENCEPHALOPATHY SYNDROME, TYMP-RELATED. Identifiers: Orphanet 298, MedGen C4551995, MONDO:0011283, OMIM 603041.
Sensory ataxic neuropathy, dysarthria, and ophthalmoparesis (SANDO). Also called: Epilepsy, progressive myoclonic, type 5; SENSORY ATAXIC NEUROPATHY WITH MITOCHONDRIAL DNA DELETIONS, AUTOSOMAL RECESSIVE; Ataxia Neuropathy Spectrum (ANS); Sensory ataxic neuropathy-dysarthria-ophthalmoparesis syndrome. Identifiers: Orphanet 70595, MedGen C1843851, MONDO:0011835, OMIM 607459.
Hereditary spastic paraplegia. Also called: Familial spastic paraparesis. Identifiers: Orphanet 685, MedGen C0037773, MONDO:0019064. Disease mechanism: loss of function.

Allele frequency attached by ClinVar (database versions not stated): ExAC 0.00002; gnomAD 0.00003 and 0.00004; gnomAD exomes 0.00003; TOPMed 0.00004.
gnomAD v4.1: 50 of 1,613,624 alleles (0.0031%); highest among the groups gnomAD compares: Middle Eastern, 0.099%; no homozygotes.

Submissions (9):

PreventionGenetics, part of Exact Sciences
Classification: Uncertain significance for POLG-related condition. Last evaluated: 2025-11-25. Review status: criteria provided, single submitter. Criteria: ACMG Guidelines, 2015. Collection method: clinical testing. Allele origin: germline.
Comment: The POLG c.2085T>G variant is predicted to result in the amino acid substitution p.Asp695Glu. To our knowledge, this variant has not been reported in the literature. This variant is reported in 0.0053% of alleles in individuals of European (non-Finnish) descent in gnomAD. At this time, the clinical significance of this variant is uncertain due to the absence of conclusive functional and genetic evidence.

Labcorp Genetics (formerly Invitae), Labcorp
Classification: Uncertain significance for Progressive sclerosing poliodystrophy. Last evaluated: 2025-10-13. Review status: criteria provided, single submitter. Criteria: Invitae Variant Classification Sherloc (09022015). Collection method: clinical testing. Allele origin: germline.
Comment: This sequence change replaces aspartic acid, which is acidic and polar, with glutamic acid, which is acidic and polar, at codon 695 of the POLG protein (p.Asp695Glu). This variant is present in population databases (rs776848222, gnomAD 0.007%). This variant has not been reported in the literature in individuals affected with POLG-related conditions. ClinVar contains an entry for this variant (Variation ID: 206509). Invitae Evidence Modeling of protein sequence and biophysical properties (such as structural, functional, and spatial information, amino acid conservation, physicochemical variation, residue mobility, and thermodynamic stability) indicates that this missense variant is not expected to disrupt POLG protein function with a negative predictive value of 95%. In summary, the available evidence is currently insufficient to determine the role of this variant in disease. Therefore, it has been classified as a Variant of Uncertain Significance.

Women's Health and Genetics/Laboratory Corporation of America, LabCorp
Classification: Uncertain significance. Last evaluated: 2024-01-04. Review status: criteria provided, single submitter. Criteria: LabCorp Variant Classification Summary - May 2015. Collection method: clinical testing. Allele origin: germline.
Comment: Variant summary: POLG c.2085T>G (p.Asp695Glu) results in a conservative amino acid change in the encoded protein sequence. Five of five in-silico tools predict a benign effect of the variant on protein function. The variant allele was found at a frequency of 2.8e-05 in 251432 control chromosomes (gnomAD). The available data on variant occurrences in the general population are insufficient to allow any conclusion about variant significance. To our knowledge, no occurrence of c.2085T>G in individuals affected with POLG-Related Spectrum Disorders and no experimental evidence demonstrating its impact on protein function have been reported. Seven submitters have cited clinical-significance assessments for this variant to ClinVar after 2014. All submitters classified the variant as uncertain significance. Based on the evidence outlined above, the variant was classified as uncertain significance.

GeneDx
Classification: Uncertain significance. Last evaluated: 2023-08-24. Review status: criteria provided, single submitter. Criteria: GeneDx Variant Classification Process June 2021. Collection method: clinical testing. Allele origin: germline. Affected: yes.
Comment: Not observed at significant frequency in large population cohorts (gnomAD); In silico analysis, which includes protein predictors and evolutionary conservation, supports that this variant does not alter protein structure/function; Has not been previously published as pathogenic or benign to our knowledge

Mayo Clinic Laboratories, Mayo Clinic
Classification: Uncertain significance. Last evaluated: 2022-07-01. Review status: criteria provided, single submitter. Criteria: ACMG Guidelines, 2015. Collection method: clinical testing. Allele origin: germline. Observed: 2 variant alleles.

Fulgent Genetics
Classification: Uncertain significance for Progressive external ophthalmoplegia with mitochondrial DNA deletions, autosomal dominant 1; Progressive sclerosing poliodystrophy; Progressive external ophthalmoplegia with mitochondrial DNA deletions, autosomal recessive 1; Mitochondrial DNA depletion syndrome 1; Sensory ataxic neuropathy, dysarthria, and ophthalmoparesis; Mitochondrial DNA depletion syndrome 4b. Last evaluated: 2018-10-31. Review status: criteria provided, single submitter. Criteria: ACMG Guidelines, 2015. Collection method: clinical testing. Allele origin: unknown.

Wong Mito Lab, Molecular and Human Genetics, Baylor College of Medicine
Classification: Uncertain significance for Progressive sclerosing poliodystrophy. Last evaluated: 2018-10-01. Review status: criteria provided, single submitter. Criteria: ACMG Guidelines, 2015. Collection method: clinical testing. Allele origin: germline.
Comment: The NM_002693.2:c.2085T>G (NP_002684.1:p.Asp695Glu) [GRCH38: NC_000015.10:g.89323887A>C] variant in POLG gene is interpretated to be a Uncertain Significance based on ACMG guidelines (PMID: 25741868). This variant meets the following evidence codes reported in the ACMG-guideline. BP4:Computational evidence/predictors indicate no impact on the POLG structure, function, or protein-protein interaction. Based on the evidence criteria codes applied, the variant is suggested to be Uncertain Significance.

Eurofins Ntd Llc (ga)
Classification: Uncertain significance. Last evaluated: 2018-03-09. Review status: criteria provided, single submitter. Criteria: EGL ClinVar v180209 classification definitions. Collection method: clinical testing. Allele origin: germline. Observed: 1 variant allele, 1 heterozygote.

Genome Diagnostics Laboratory, The Hospital for Sick Children
Classification: Uncertain significance for Hereditary spastic paraplegia. Last evaluated: 2016-12-12. Review status: criteria provided, single submitter. Criteria: ACMG Guidelines, 2015. Collection method: clinical testing. Allele origin: germline. Affected: yes.